The following is an entry in ClinVar:

NM_006612.6(KIF1C):c.2833G>A (p.Glu945Lys)

Gene: KIF1C (kinesin family member 1C; plus strand). Cytogenetic location: 17p13.2.
Variant type: single nucleotide variant.
Coding change: c.2833G>A on transcript NM_006612.6 (MANE Select); coding-DNA position 2833, G replaced by A.
Protein change: p.Glu945Lys; replaces glutamic acid 945 with lysine.
Molecular consequence: missense variant.
Genome position (GRCh38, 1-based): chr17:5,023,672, G>A. VCF-style: chr17-5023672-G-A. GRCh37 (hg19) VCF-style: chr17-4926967-G-A.
Other names: short protein forms E945K.
Identifiers: ClinVar variation 2420133 (VCV002420133.6), dbSNP rs1282468836, ClinGen allele CA397318079.

ClinVar aggregate classification (germline): Uncertain significance (1 of 4 stars; one submission).

Conditions:
Spastic ataxia 2. Also called: Ataxia, spastic, 2, autosomal recessive. Identifiers: Orphanet 397946, MedGen C1969796, MONDO:0012651, OMIM 611302.

Allele frequency attached by ClinVar (database versions not stated): TOPMed 0.00001.

Submission:

Labcorp Genetics (formerly Invitae), Labcorp
Classification: Uncertain significance for Spastic ataxia 2. Last evaluated: 2022-03-29. Review status: criteria provided, single submitter. Criteria: Invitae Variant Classification Sherloc (09022015). Collection method: clinical testing. Allele origin: germline.
Comment: In summary, the available evidence is currently insufficient to determine the role of this variant in disease. Therefore, it has been classified as a Variant of Uncertain Significance. Algorithms developed to predict the effect of missense changes on protein structure and function are either unavailable or do not agree on the potential impact of this missense change (SIFT: "Deleterious"; PolyPhen-2: "Possibly Damaging"; Align-GVGD: "Class C0"). This variant has not been reported in the literature in individuals affected with KIF1C-related conditions. This variant is not present in population databases (gnomAD no frequency). This sequence change replaces glutamic acid, which is acidic and polar, with lysine, which is basic and polar, at codon 945 of the KIF1C protein (p.Glu945Lys).